The following is an entry in ClinVar:

NM_001283009.2(RTEL1):c.2006A>G (p.Gln669Arg)

Genes: RTEL1 (regulator of telomere elongation helicase 1; plus strand), RTEL1-TNFRSF6B (RTEL1-TNFRSF6B readthrough (NMD candidate); plus strand). Cytogenetic location: 20q13.33.
Variant type: single nucleotide variant.
Coding change: c.2006A>G on transcript NM_001283009.2 (MANE Select); coding-DNA position 2006, A replaced by G.
Protein change: p.Gln669Arg; replaces glutamine 669 with arginine.
Molecular consequence: missense variant. On other transcripts: non-coding transcript variant (1).
Genome position (GRCh38, 1-based): chr20:63,689,629, A>G. VCF-style: chr20-63689629-A-G. GRCh37 (hg19) VCF-style: chr20-62320982-A-G.
Other names: c.1337A>G, p.Gln446Arg (NM_001283010.1); c.2006A>G, p.Gln669Arg (NM_016434.4); c.2078A>G, p.Gln693Arg (NM_032957.5); short protein forms Q446R, Q669R, Q693R.
Identifiers: ClinVar variation 2942397 (VCV002942397.4), dbSNP rs921396999, ClinGen allele CA317512880.

ClinVar aggregate classification (germline): Conflicting classifications of pathogenicity. Review status: criteria provided, conflicting classifications (1 of 4 stars). 2 submissions from 2 submitters: Uncertain significance (1); Likely benign (1). Last evaluated 2025-01-06.

Conditions:
Pulmonary fibrosis and/or bone marrow failure, Telomere-related, 3. Also called: PULMONARY FIBROSIS AND/OR BONE MARROW FAILURE SYNDROME, TELOMERE-RELATED, 3. Identifiers: Orphanet 2032, MedGen C4225346, MONDO:0014613, OMIM 616373.
Dyskeratosis congenita, autosomal recessive 5 (DKCB5). Identifiers: MedGen C3554656, MONDO:0014076, OMIM 615190.
Inborn genetic diseases. Identifiers: MedGen C0950123, MeSH D030342.

Allele frequency attached by ClinVar (database versions not stated): TOPMed 0.00001.

Submissions (2):

Ambry Genetics
Classification: Likely benign for Inborn genetic diseases. Last evaluated: 2025-01-06. Review status: criteria provided, single submitter. Criteria: Ambry Variant Classification Scheme 2023. Collection method: clinical testing. Allele origin: germline.

Labcorp Genetics (formerly Invitae), Labcorp
Classification: Uncertain significance for Dyskeratosis congenita, autosomal recessive 5; Pulmonary fibrosis and/or bone marrow failure, Telomere-related, 3. Last evaluated: 2023-09-08. Review status: criteria provided, single submitter. Criteria: Invitae Variant Classification Sherloc (09022015). Collection method: clinical testing. Allele origin: germline.
Comment: In summary, the available evidence is currently insufficient to determine the role of this variant in disease. Therefore, it has been classified as a Variant of Uncertain Significance. Algorithms developed to predict the effect of missense changes on protein structure and function output the following: SIFT: "Not Available"; PolyPhen-2: "Benign"; Align-GVGD: "Not Available". The arginine amino acid residue is found in multiple mammalian species, which suggests that this missense change does not adversely affect protein function. This variant has not been reported in the literature in individuals affected with RTEL1-related conditions. This variant is not present in population databases (gnomAD no frequency). This sequence change replaces glutamine, which is neutral and polar, with arginine, which is basic and polar, at codon 669 of the RTEL1 protein (p.Gln669Arg).